The following is an entry in ClinVar:

NM_004100.5(EYA4):c.1600T>A (p.Ser534Thr)

Genes: TARID (TCF21 antisense RNA inducing promoter demethylation; minus strand), EYA4 (EYA transcriptional coactivator and phosphatase 4; plus strand). Cytogenetic location: 6q23.2.
Variant type: single nucleotide variant.
Coding change: c.1600T>A on transcript NM_004100.5 (MANE Select); coding-DNA position 1600, T replaced by A.
Protein change: p.Ser534Thr; replaces serine 534 with threonine.
Molecular consequence: missense variant.
Genome position (GRCh38, 1-based): chr6:133,515,419, T>A. VCF-style: chr6-133515419-T-A. GRCh37 (hg19) VCF-style: chr6-133836557-T-A.
Other names: c.1438T>A, p.Ser480Thr (NM_001301012.2); c.1618T>A, p.Ser540Thr (NM_001301013.2); c.1531T>A, p.Ser511Thr (NM_001370458.1, NM_172103.4); c.1456T>A, p.Ser486Thr (NM_001370459.1); c.1600T>A, p.Ser534Thr (NM_172105.4); short protein forms S480T, S534T, S511T, S540T, S486T.
Identifiers: ClinVar variation 2872456 (VCV002872456.3), dbSNP rs2535380048, ClinGen allele CA365695603.

ClinVar aggregate classification (germline): Uncertain significance (1 of 4 stars; one submission).

Conditions:
Dilated cardiomyopathy 1J (CMD1J). Also called: CARDIOMYOPATHY, DILATED, WITH SENSORINEURAL HEARING LOSS, AUTOSOMAL DOMINANT. Identifiers: Orphanet 217622, MedGen C1854368, MONDO:0011541, OMIM 605362.

Submission:

Labcorp Genetics (formerly Invitae), Labcorp
Classification: Uncertain significance for Dilated cardiomyopathy 1J. Last evaluated: 2022-10-30. Review status: criteria provided, single submitter. Criteria: Invitae Variant Classification Sherloc (09022015). Collection method: clinical testing. Allele origin: germline.
Comment: This variant has not been reported in the literature in individuals affected with EYA4-related conditions. This sequence change replaces serine, which is neutral and polar, with threonine, which is neutral and polar, at codon 534 of the EYA4 protein (p.Ser534Thr). This variant is not present in population databases (gnomAD no frequency). Advanced modeling of protein sequence and biophysical properties (such as structural, functional, and spatial information, amino acid conservation, physicochemical variation, residue mobility, and thermodynamic stability) performed at Invitae indicates that this missense variant is not expected to disrupt EYA4 protein function. In summary, the available evidence is currently insufficient to determine the role of this variant in disease. Therefore, it has been classified as a Variant of Uncertain Significance.